The following is an entry in ClinVar:

NM_001999.4(FBN2):c.7181T>C (p.Ile2394Thr)

Gene: FBN2 (fibrillin 2; minus strand). Cytogenetic location: 5q23.3.
Variant type: single nucleotide variant.
Coding change: c.7181T>C on transcript NM_001999.4 (MANE Select); coding-DNA position 7181, T replaced by C.
Protein change: p.Ile2394Thr; replaces isoleucine 2394 with threonine.
Molecular consequence: missense variant.
Genome position (GRCh38, 1-based): chr5:128,278,799, A>G on the plus strand (T>C on the coding strand, the complement: FBN2 is on the minus strand). VCF-style: chr5-128278799-A-G. GRCh37 (hg19) VCF-style: chr5-127614491-A-G.
Other names: p.Ile2394Thr; short protein forms I2394T.
Identifiers: ClinVar variation 210999 (VCV000210999.77), dbSNP rs28763926, ClinGen allele CA319722.
Genomic context (GRCh38, chr5:128,278,799, plus strand): 5'-CCATCACAGCAGCATTCTGACTTAGTGACGAGATTGCGACTACTGGATGCCATTTGACAT[A>G]TTGTCTGCAGTACCTCTGCAAAGCAGAGACCCTGTCGATTGTCTGAAATGGCAAAGTAGA-3'
Protein context (NP_001990.2, residues 2384-2404): GLCFAEVLQT[Ile2394Thr]CQMASSSRNL

ClinVar aggregate classification (germline): Benign/Likely benign. Review status: criteria provided, multiple submitters, no conflicts (2 of 4 stars). 20 submissions from 19 submitters: Benign (4); Likely benign (12). 4 of the submissions do not count toward it. Last evaluated 2026-08-01.

Conditions:
Ehlers-Danlos syndrome (EDS). Identifiers: Orphanet 98249, MedGen C0013720, MONDO:0020066.
Connective tissue disorder. Also called: Connective tissue disease. Identifiers: MedGen C0009782, MONDO:0003900.
Familial thoracic aortic aneurysm and aortic dissection (TAAD). Also called: Thoracic aortic aneurysms and dissections. Identifiers: Orphanet 91387, MedGen C4707243, MONDO:0019625.
Congenital contractural arachnodactyly (CCA). Also called: Arthrogryposis, distal, type 9; Beals-Hecht syndrome; BEALS SYNDROME. Identifiers: Orphanet 115, MedGen C0220668, MONDO:0007363, OMIM 121050.

Allele frequency attached by ClinVar (database versions not stated): ESP Exome Variant Server 0.00315; gnomAD exomes 0.00424 and 0.00232; 1000 Genomes Project 30x 0.00078; 1000 Genomes Project 0.00080; ExAC 0.00232; TOPMed 0.00250; gnomAD 0.00270 and 0.00287.
gnomAD v4.1: 6,491 of 1,613,968 alleles (0.4%); highest among the groups gnomAD compares: Non-Finnish European, 0.52%; 17 homozygotes.

Submissions (20):

CeGaT Center for Human Genetics Tuebingen
Classification: Likely benign. Last evaluated: 2026-08-01. Review status: criteria provided, single submitter. Criteria: CeGaT Center For Human Genetics Tuebingen Variant Classification Criteria Version 2. Collection method: clinical testing. Allele origin: germline. Affected: yes. Observed: 20 variant alleles.
Comment: FBN2: BS2

Labcorp Genetics (formerly Invitae), Labcorp
Classification: Likely benign for Congenital contractural arachnodactyly. Last evaluated: 2026-02-01. Review status: criteria provided, single submitter. Criteria: Invitae Variant Classification Sherloc (09022015). Collection method: clinical testing. Allele origin: germline.

Mayo Clinic Laboratories, Mayo Clinic
Classification: Likely benign. Last evaluated: 2025-09-11. Review status: criteria provided, single submitter. Criteria: ACMG Guidelines, 2015. Collection method: clinical testing. Allele origin: germline. Observed: 34 variant alleles.
Comment: BS1, BS2

ARUP Laboratories, Molecular Genetics and Genomics, ARUP Laboratories
Classification: Benign. Last evaluated: 2025-05-13. Review status: criteria provided, single submitter. Criteria: ARUP Molecular Germline Variant Investigation Process 2024. Collection method: clinical testing. Allele origin: germline.

Blueprint Genetics
Classification: Likely benign. Last evaluated: 2024-10-31. Review status: criteria provided, single submitter. Criteria: ACMG Guidelines, 2015. Collection method: clinical testing. Allele origin: germline.

Women's Health and Genetics/Laboratory Corporation of America, LabCorp
Classification: Likely benign. Last evaluated: 2023-07-29. Review status: criteria provided, single submitter. Criteria: LabCorp Variant Classification Summary - May 2015. Collection method: clinical testing. Allele origin: germline.

Genome Diagnostics Laboratory, The Hospital for Sick Children
Classification: Benign for Ehlers-Danlos syndrome. Last evaluated: 2022-01-20. Review status: criteria provided, single submitter. Criteria: ACMG Guidelines, 2015. Collection method: clinical testing. Allele origin: germline.

GeneDx
Classification: Likely benign. Last evaluated: 2021-07-20. Review status: criteria provided, single submitter. Criteria: GeneDx Variant Classification Process June 2021. Collection method: clinical testing. Allele origin: germline. Affected: yes.
Comment: This variant is associated with the following publications: (PMID: 29307552, 29307550)

Genome Diagnostics Laboratory, The Hospital for Sick Children
Classification: Benign for Connective tissue disorder. Last evaluated: 2021-03-31. Review status: criteria provided, single submitter. Criteria: ACMG Guidelines, 2015. Collection method: clinical testing. Allele origin: germline.

Ambry Genetics
Classification: Likely benign for Familial thoracic aortic aneurysm and aortic dissection. Last evaluated: 2018-09-07. Review status: criteria provided, single submitter. Criteria: Ambry Variant Classification Scheme 2023. Collection method: clinical testing. Allele origin: germline.

Illumina Laboratory Services, Illumina
Classification: Benign for Congenital contractural arachnodactyly. Last evaluated: 2018-01-13. Review status: criteria provided, single submitter. Criteria: ICSL Variant Classification Criteria 13 December 2019. Collection method: clinical testing. Allele origin: germline.
Comment: This variant was observed in the ICSL laboratory as part of a predisposition screen in an ostensibly healthy population. It had not been previously curated by ICSL or reported in the Human Gene Mutation Database (HGMD: prior to June 1st, 2018), and was therefore a candidate for classification through an automated scoring system. Utilizing variant allele frequency, disease prevalence and penetrance estimates, and inheritance mode, an automated score was calculated to assess if this variant is too frequent to cause the disease. Based on the score and internal cut-off values, a variant classified as benign is not then subjected to further curation. The score for this variant resulted in a classification of benign for this disease.

Center for Pediatric Genomic Medicine, Children's Mercy Hospital and Clinics
Classification: Likely benign. Last evaluated: 2017-03-06. Review status: criteria provided, single submitter. Criteria: ACMG Guidelines, 2015. Collection method: clinical testing. Allele origin: germline.

Center for Human Genetics, Inc
Classification: Likely benign for Connective tissue disorder. Last evaluated: 2016-11-01. Review status: criteria provided, single submitter. Criteria: ACMG Guidelines, 2015. Collection method: clinical testing. Allele origin: germline. Affected: yes.

Genetic Services Laboratory, University of Chicago
Classification: Likely benign. Last evaluated: 2015-04-23. Review status: criteria provided, single submitter. Criteria: ACMG Guidelines, 2015. Collection method: clinical testing. Allele origin: germline.

Breakthrough Genomics
Classification: Likely benign. Review status: criteria provided, single submitter. Criteria: ACMG Guidelines, 2015. Collection method: not provided. Allele origin: germline. Inheritance: Autosomal dominant inheritance. Affected: yes.

PreventionGenetics, part of Exact Sciences
Classification: Likely benign. Review status: criteria provided, single submitter. Criteria: ACMG Guidelines, 2015. Collection method: clinical testing. Allele origin: germline.

Diagnostic Laboratory, Department of Genetics, University Medical Center Groningen
Classification: Likely benign. Review status: no assertion criteria provided. Collection method: clinical testing. Allele origin: germline. Affected: yes. Study: VKGL Data-share Consensus. Not counted in ClinVar's aggregate classification.

Genome Diagnostics Laboratory, Amsterdam University Medical Center
Classification: Likely benign. Review status: no assertion criteria provided. Collection method: clinical testing. Allele origin: germline. Affected: yes. Study: VKGL Data-share Consensus. Not counted in ClinVar's aggregate classification.

Genome Diagnostics Laboratory, University Medical Center Utrecht
Classification: Likely benign. Review status: no assertion criteria provided. Collection method: clinical testing. Allele origin: germline. Affected: yes. Study: VKGL Data-share Consensus. Not counted in ClinVar's aggregate classification.

Laboratory of Diagnostic Genome Analysis, Leiden University Medical Center (LUMC)
Classification: Likely benign. Review status: no assertion criteria provided. Collection method: clinical testing. Allele origin: germline. Affected: yes. Study: VKGL Data-share Consensus. Not counted in ClinVar's aggregate classification.

Literature cited by the submitters: PubMed 29307552 (cited by Mayo Clinic Laboratories, Mayo Clinic).